The following is an entry in ClinVar:

ClinVar aggregate classification (germline): Uncertain significance. Review status: criteria provided, multiple submitters, no conflicts (2 of 4 stars). 3 submissions from 3 submitters: Uncertain significance (3). Last evaluated 2025-08-01.

Conditions:
Inborn genetic diseases. Identifiers: MedGen C0950123, MeSH D030342.

Allele frequency attached by ClinVar (database versions not stated): gnomAD 0.00001; gnomAD exomes 0.00001.
gnomAD v4.1: 14 of 1,613,426 alleles (0.00087%); highest among the groups gnomAD compares: South Asian, 0.0033%; no homozygotes.

Submissions (3):

Ambry Genetics
Classification: Uncertain significance for Inborn genetic diseases. Last evaluated: 2025-08-01. Review status: criteria provided, single submitter. Criteria: Ambry Variant Classification Scheme 2023. Collection method: clinical testing. Allele origin: germline.

Mayo Clinic Laboratories, Mayo Clinic
Classification: Uncertain significance. Last evaluated: 2023-11-20. Review status: criteria provided, single submitter. Criteria: ACMG Guidelines, 2015. Collection method: clinical testing. Allele origin: germline. Observed: 1 variant allele.
Comment: BP4

Labcorp Genetics (formerly Invitae), Labcorp
Classification: Uncertain significance. Last evaluated: 2022-04-10. Review status: criteria provided, single submitter. Criteria: Invitae Variant Classification Sherloc (09022015). Collection method: clinical testing. Allele origin: germline.
Comment: This sequence change replaces arginine, which is basic and polar, with glutamine, which is neutral and polar, at codon 147 of the SLC39A14 protein (p.Arg147Gln). The frequency data for this variant in the population databases is considered unreliable, as metrics indicate poor data quality at this position in the gnomAD database. This variant has not been reported in the literature in individuals affected with SLC39A14-related conditions. Algorithms developed to predict the effect of missense changes on protein structure and function (SIFT, PolyPhen-2, Align-GVGD) all suggest that this variant is likely to be tolerated. In summary, the available evidence is currently insufficient to determine the role of this variant in disease. Therefore, it has been classified as a Variant of Uncertain Significance.

NM_001128431.4(SLC39A14):c.440G>A (p.Arg147Gln)

Gene: SLC39A14 (solute carrier family 39 member 14; plus strand). Cytogenetic location: 8p21.3.
Variant type: single nucleotide variant.
Coding change: c.440G>A on transcript NM_001128431.4 (MANE Select); coding-DNA position 440, G replaced by A.
Protein change: p.Arg147Gln; replaces arginine 147 with glutamine.
Molecular consequence: missense variant.
Genome position (GRCh38, 1-based): chr8:22,408,479, G>A. VCF-style: chr8-22408479-G-A. GRCh37 (hg19) VCF-style: chr8-22265992-G-A.
Other names: p.Arg147Gln; c.440G>A (NM_001135153.1); c.440G>A, p.Arg147Gln (NM_001135153.3, NM_001135154.3, NM_001351655.2 and 3 more transcripts); c.470G>A, p.Arg157Gln (NM_001351657.2, NM_001351658.2, NM_001351659.2); short protein forms R147Q, R157Q.
Identifiers: ClinVar variation 2082654 (VCV002082654.3), dbSNP rs974112153, ClinGen allele CA173867738.